The following is an entry in ClinVar:

NM_022081.6(HPS4):c.1956-4A>G

Gene: HPS4 (HPS4 biogenesis of lysosomal organelles complex 3 subunit 2; minus strand). Cytogenetic location: 22q12.1.
Variant type: single nucleotide variant.
Coding change: c.1956-4A>G on transcript NM_022081.6 (MANE Select); 4 bases into the intron before coding-DNA position 1956, A replaced by G.
Molecular consequence: intron variant.
Genome position (GRCh38, 1-based): chr22:26,453,408, T>C on the plus strand (A>G on the coding strand, the complement: HPS4 is on the minus strand). VCF-style: chr22-26453408-T-C. GRCh37 (hg19) VCF-style: chr22-26849374-T-C.
Other names: c.*477A>G (NM_001410832.1); c.1955+4451A>G (NM_001349905.1, NM_001349904.2); c.1714-4A>G (NM_001349902.1, NM_001349903.2); c.1956-4A>G (NM_001349896.1, NM_001349899.2, NM_001349898.2); c.2010-4A>G (NM_001349901.1, NM_001349900.2); c.1941-4A>G (NM_152841.2).
Identifiers: ClinVar variation 1938822 (VCV001938822.5), dbSNP rs2146245584, ClinGen allele CA2580099340.

ClinVar aggregate classification (germline): Uncertain significance (1 of 4 stars; one submission).

Allele frequency attached by ClinVar (database versions not stated): gnomAD exomes below 0.00001.
gnomAD v4.1: 4 of 1,613,738 alleles (0.00025%); highest among the groups gnomAD compares: African/African-American, 0.0013%; no homozygotes.

Submission:

Labcorp Genetics (formerly Invitae), Labcorp
Classification: Uncertain significance. Last evaluated: 2022-01-11. Review status: criteria provided, single submitter. Criteria: Invitae Variant Classification Sherloc (09022015). Collection method: clinical testing. Allele origin: germline.
Comment: This sequence change falls in intron 13 of the HPS4 gene. It does not directly change the encoded amino acid sequence of the HPS4 protein. This variant is not present in population databases (gnomAD no frequency). This variant has not been reported in the literature in individuals affected with HPS4-related conditions. Algorithms developed to predict the effect of sequence changes on RNA splicing suggest that this variant may disrupt the consensus splice site. In summary, the available evidence is currently insufficient to determine the role of this variant in disease. Therefore, it has been classified as a Variant of Uncertain Significance.